The following is an entry in ClinVar:

ClinVar aggregate classification (germline): Uncertain significance (1 of 4 stars; one submission).

Conditions:
Cardiovascular phenotype. Identifiers: MedGen CN230736.
Hereditary cancer-predisposing syndrome. Also called: Tumor predisposition; Neoplastic Syndromes, Hereditary; Hereditary neoplastic syndrome; Hereditary Cancer Syndrome. Identifiers: Orphanet 140162, MedGen C0027672, MeSH D009386, MONDO:0015356.

Submission:

Ambry Genetics
Classification: Uncertain significance for Cardiovascular phenotype; Hereditary cancer-predisposing syndrome. Last evaluated: 2025-07-01. Review status: criteria provided, single submitter. Criteria: Ambry Variant Classification Scheme 2023. Collection method: clinical testing. Allele origin: germline.
Comment: The c.-1G>A variant is located in the 5' untranslated region (5&rsquo; UTR) of the LZTR1 gene. This variant results from a G to A substitution 1 bases upstream from the first translated codon. Based on the available evidence, the clinical significance of this variant remains unclear.

NM_006767.4(LZTR1):c.-1G>A

Genes: LZTR1 (leucine zipper like post translational regulator 1; plus strand), LOC130067016 (ATAC-STARR-seq lymphoblastoid silent region 13504; plus strand). Cytogenetic location: 22q11.21.
Variant type: single nucleotide variant.
Coding change: c.-1G>A on transcript NM_006767.4 (MANE Select); 1 bases upstream of the start codon, G replaced by A.
Molecular consequence: 5 prime UTR variant.
Genome position (GRCh38, 1-based): chr22:20,982,371, G>A. VCF-style: chr22-20982371-G-A. GRCh37 (hg19) VCF-style: chr22-21336660-G-A.
Identifiers: ClinVar variation 4101850 (VCV004101850.1).
Genomic context (GRCh38, chr22:20,982,371, plus strand): 5'-CGGCCCGGGGCGGTGGCCGCAAGTTGGGCTTACAGCGCGGCCGATCCGGCGTGGACCCGG[G>A]ATGGCTGGACCGGGCAGCACGGGGGGGCAGATCGGGGCTGCGGCCCTGGCAGGCGGCGCG-3'